The following is an entry in ClinVar:

ClinVar aggregate classification (germline): Uncertain significance. Review status: criteria provided, multiple submitters, no conflicts (2 of 4 stars). 3 submissions from 3 submitters: Uncertain significance (3). Last evaluated 2023-05-18.

Conditions:
MHC class II deficiency. Also called: Bare lymphocyte syndrome 2; BLS, TYPE II. Identifiers: Orphanet 572, MedGen C5447452, MONDO:0008855.

Allele frequency attached by ClinVar (database versions not stated): TOPMed 0.00002.
gnomAD v4.1: 14 of 1,613,872 alleles (0.00087%); highest among the groups gnomAD compares: East Asian, 0.027%; no homozygotes.

Submissions (3):

Ambry Genetics
Classification: Uncertain significance. Last evaluated: 2023-05-18. Review status: criteria provided, single submitter. Criteria: Ambry Variant Classification Scheme 2023. Collection method: clinical testing. Allele origin: germline.

Genome-Nilou Lab
Classification: Uncertain significance for MHC class II deficiency 1. Last evaluated: 2023-04-11. Review status: criteria provided, single submitter. Criteria: ACMG Guidelines, 2015. Collection method: clinical testing. Allele origin: germline. Affected: no.

Labcorp Genetics (formerly Invitae), Labcorp
Classification: Uncertain significance for Bare lymphocyte syndrome 2. Last evaluated: 2019-08-21. Review status: criteria provided, single submitter. Criteria: Invitae Variant Classification Sherloc (09022015). Collection method: clinical testing. Allele origin: germline.
Comment: This sequence change replaces arginine with glycine at codon 262 of the RFX5 protein (p.Arg262Gly). The arginine residue is weakly conserved and there is a moderate physicochemical difference between arginine and glycine. This variant is present in population databases (rs773920954, ExAC 0.05%). This variant has not been reported in the literature in individuals with RFX5-related conditions. Algorithms developed to predict the effect of missense changes on protein structure and function (SIFT, PolyPhen-2, Align-GVGD) all suggest that this variant is likely to be tolerated, but these predictions have not been confirmed by published functional studies and their clinical significance is uncertain. In summary, the available evidence is currently insufficient to determine the role of this variant in disease. Therefore, it has been classified as a Variant of Uncertain Significance.

NM_001025603.2(RFX5):c.784C>G (p.Arg262Gly)

Gene: RFX5 (regulatory factor X5; minus strand). Cytogenetic location: 1q21.3.
Variant type: single nucleotide variant.
Coding change: c.784C>G on transcript NM_001025603.2 (MANE Select); coding-DNA position 784, C replaced by G.
Protein change: p.Arg262Gly; replaces arginine 262 with glycine.
Molecular consequence: missense variant.
Genome position (GRCh38, 1-based): chr1:151,343,416, G>C on the plus strand (C>G on the coding strand, the complement: RFX5 is on the minus strand). VCF-style: chr1-151343416-G-C. GRCh37 (hg19) VCF-style: chr1-151315892-G-C.
Other names: c.784C>G, p.Arg262Gly (NM_000449.4, NM_001379412.1, NM_001379413.1 and 5 more transcripts); c.664C>G, p.Arg222Gly (NM_001379419.1, NM_001379420.1); short protein forms R262G, R222G.
Identifiers: ClinVar variation 933729 (VCV000933729.4), dbSNP rs773920954, ClinGen allele CA1089745.